The following is an entry in ClinVar:

NM_001034853.2(RPGR):c.154+3_154+6del

Gene: RPGR (retinitis pigmentosa GTPase regulator; minus strand). Cytogenetic location: Xp11.4.
Variant type: Deletion.
Coding change: c.154+3_154+6del on transcript NM_001034853.2 (MANE Select); bases 3 to 6 of the intron after coding-DNA position 154, 4 bases deleted (TAGT; older notation c.154+3_154+6delTAGT).
Molecular consequence: splice donor variant.
Genome position (GRCh38, 1-based): chrX:38,323,393-38,323,396, ACTA deleted on the plus strand (TAGT on the coding strand, the reverse complement: RPGR is on the minus strand); deleting any 4 consecutive bases within chrX:38,323,393-38,323,398 gives the same sequence; the c. name uses the placement nearest the transcript's 3' end. VCF-style (leftmost placement, unchanged base first): chrX-38323392-TACTA-T. GRCh37 (hg19) VCF-style: chrX-38182645-TACTA-T.
Other names: c.154+3_154+6del (NM_001367249.1, NM_001367250.1, NM_001367245.1 and 4 more transcripts); c.184+3_184+6del (NM_001367248.1).
Identifiers: ClinVar variation 3249416 (VCV003249416.2).

ClinVar aggregate classification (germline): Pathogenic. Review status: reviewed by expert panel (3 of 4 stars). 2 submissions from 2 submitters: Pathogenic (1). 1 of the submissions does not count toward it. Last evaluated 2026-01-25.

Conditions:
Retinal dystrophy. Also called: Inherited retinal dystrophy. Identifiers: Orphanet 71862, MedGen C0854723, MeSH D058499, MONDO:0019118, HP:0000556.
RPGR-related retinopathy. Also called: RPGR retinopathy. Identifiers: MedGen CN305589, MONDO:0100437.

Submissions (2):

ClinGen X-linked Inherited Retinal Disease Variant Curation Expert Panel, ClinGen
Classification: Pathogenic for RPGR-related retinopathy. Last evaluated: 2026-01-25. Review status: reviewed by expert panel. Criteria: ClinGen X LinkedIRD ACMG Specifications RPGR V1.0.0. Collection method: curation. Allele origin: germline. Inheritance: X-linked inheritance.
Comment: NM_001034853.2(RPGR):c.154+3_154+6del is a non-coding variant that deletes four nucleotides from intron 2. The splicing impact predictor SpliceAI gives delta scores of 0.80 for donor loss and 0.31 for acceptor loss, which are above the ClinGen X-linked IRD VCEP recommended threshold of ≥0.2 and predict a damaging impact on splicing. HEK293T cells transfected with a minigene construct harboring the variant produced a transcript of smaller size relative to the wild-type control, confirming the splicing defect (PMID: 33467000). These findings were not used to meet PP3 and PS3_Supporting but rather combined as evidence of null impact on RPGR (PVS1, PMID: 37352859). This variant is absent from hemizygous individuals in gnomAD v4.1.0 (PM2_Supporting). At least one proband harboring this variant exhibits a phenotype including a family history consistent with X-linked inheritance (2 pts), childhood onset (1 pt), night blindness (0.5 pt), photophobia (0.5 pt), color vision defect (0.5), myopia (0.5 pt), visual field constriction (0.5 pt), and pigmentary retinopathy (0.5 pt), which together are specific for RPGR-related retinopathy (6 points, PMID: 33467000, PP4). In summary, this variant is classified as pathogenic for RPGR-related retinopathy based on the ClinGen X-linked Inherited Retinal Disease Expert Panel Specifications to the ACMG/AMP Variant Interpretation Guidelines for RPGR Version 1.0.0; PVS1, PM2_Supporting, and PP4.

Institute of Human Genetics, Univ. Regensburg, Univ. Regensburg
Classification: Pathogenic for Retinal dystrophy. Last evaluated: 2022-01-01. Review status: no assertion criteria provided. Criteria: ACMG Guidelines, 2015. Collection method: clinical testing. Allele origin: germline. Affected: yes. Not counted in ClinVar's aggregate classification.